The following is an entry in ClinVar:

NM_016239.4(MYO15A):c.4385del (p.Met1462fs)

Gene: MYO15A (myosin XVA; plus strand). Cytogenetic location: 17p11.2.
Variant type: Deletion.
Coding change: c.4385del on transcript NM_016239.4 (MANE Select); coding-DNA position 4385, one base deleted (T; older notation c.4385delT).
Protein change: p.Met1462fs; shifts the reading frame from methionine 1462.
Molecular consequence: frameshift variant.
Genome position (GRCh38, 1-based): chr17:18,133,289, T deleted. VCF-style (leftmost placement, unchanged base first): chr17-18133288-AT-A. GRCh37 (hg19) VCF-style: chr17-18036602-AT-A.
Other names: short protein forms M1462fs.
Identifiers: ClinVar variation 3601337 (VCV003601337.1).

ClinVar aggregate classification (germline): Likely pathogenic (1 of 4 stars; one submission).

Conditions:
Autosomal recessive nonsyndromic hearing loss 3. Also called: NEUROSENSORY NONSYNDROMIC RECESSIVE DEAFNESS 3. Identifiers: Orphanet 90636, MedGen C1838263, MONDO:0010860, OMIM 600316.

Submission:

Institute of Rare Diseases, West China Hospital, Sichuan University
Classification: Likely pathogenic for Autosomal recessive nonsyndromic hearing loss 3. Last evaluated: 2025-01-09. Review status: criteria provided, single submitter. Criteria: ClinGen HL ACMG Specifications v1. Collection method: research. Allele origin: germline. Affected: yes.
Comment: PVS1;PM2_Supporting